The following is an entry in ClinVar:

NM_001370259.2(MEN1):c.1350+2T>C

Gene: MEN1 (menin 1; minus strand). Cytogenetic location: 11q13.1.
Variant type: single nucleotide variant.
Coding change: c.1350+2T>C on transcript NM_001370259.2 (MANE Select); the canonical splice donor site of the intron after coding-DNA position 1350, T replaced by C.
Molecular consequence: splice donor variant. On other transcripts: intron variant (1).
Genome position (GRCh38, 1-based): chr11:64,805,032, A>G on the plus strand (T>C on the coding strand, the complement: MEN1 is on the minus strand). VCF-style: chr11-64805032-A-G. GRCh37 (hg19) VCF-style: chr11-64572504-A-G.
Other names: c.1365+2T>C (NM_130804.3, NM_130803.3, NM_000244.4 and 4 more transcripts); c.1245+2T>C (NM_001407148.1, NM_001407149.1, NM_001370263.2 and 1 more transcripts); c.1350+2T>C (NM_130799.3, NM_001370260.2, NM_001407146.1 and 2 more transcripts); c.1476+2T>C (NM_001407144.1, NM_001370251.2, NM_001407142.1 and 1 more transcripts); c.1371+2T>C (NM_001407151.1); c.1186-216T>C (NM_001407152.1); c.1491+2T>C (NM_001407150.1).
Identifiers: ClinVar variation 457287 (VCV000457287.7), dbSNP rs1555164115, ClinGen allele CA381180004.
Genomic context (GRCh38, chr11:64,805,032, plus strand): 5'-GACAAGCCCGTGGCTGCTGTCACCACCTGTAGTGCCCAGACCTCTGTGCAGCTGTCCCTC[A>G]CCTGTCCCTCAAAACGGCCTAGGGACTGCACAAGAAAGGTGGCCCAGCCCACATGCAGCA-3'

ClinVar aggregate classification (germline): Pathogenic (1 of 4 stars; one submission).

Conditions:
Multiple endocrine neoplasia, type 1 (MEN1). Also called: MEN I; WERMER SYNDROME; Endocrine adenomatosis multiple; MEN 1; MEA I. Identifiers: Orphanet 652, MedGen C0025267, MeSH D018761, MONDO:0007540, OMIM 131100.

Submission:

Labcorp Genetics (formerly Invitae), Labcorp
Classification: Pathogenic for Multiple endocrine neoplasia, type 1. Last evaluated: 2023-10-13. Review status: criteria provided, single submitter. Criteria: Invitae Variant Classification Sherloc (09022015). Collection method: clinical testing. Allele origin: germline.
Comment: This sequence change affects a donor splice site in intron 9 of the MEN1 gene. While this variant is not anticipated to result in nonsense mediated decay, it likely alters RNA splicing and results in a disrupted protein product. This variant is not present in population databases (gnomAD no frequency). Disruption of this splice site has been observed in individual(s) with multiple endocrine neoplasia type 1 (PMID: 25309785). ClinVar contains an entry for this variant (Variation ID: 457287). Variants that disrupt the consensus splice site are a relatively common cause of aberrant splicing (PMID: 17576681, 9536098). Algorithms developed to predict the effect of sequence changes on RNA splicing suggest that this variant may disrupt the consensus splice site. This variant disrupts a region of the MEN1 protein in which other variant(s) (p.Ser555Asn) have been determined to be pathogenic (PMID: 9683585, 15254225, 21819486). This suggests that this is a clinically significant region of the protein, and that variants that disrupt it are likely to be disease-causing. For these reasons, this variant has been classified as Pathogenic.

Literature cited by the submitters: PubMed 25309785; PubMed 17576681; PubMed 9536098; PubMed 9683585; PubMed 15254225; PubMed 21819486.